The following is an entry in ClinVar:

NM_001378457.1(DMXL2):c.421G>C (p.Asp141His)

Gene: DMXL2 (Dmx like 2; minus strand). Cytogenetic location: 15q21.2.
Variant type: single nucleotide variant.
Coding change: c.421G>C on transcript NM_001378457.1 (MANE Select); coding-DNA position 421, G replaced by C.
Protein change: p.Asp141His; replaces aspartic acid 141 with histidine.
Molecular consequence: missense variant. On other transcripts: non-coding transcript variant (2).
Genome position (GRCh38, 1-based): chr15:51,564,204, C>G on the plus strand (G>C on the coding strand, the complement: DMXL2 is on the minus strand). VCF-style: chr15-51564204-C-G. GRCh37 (hg19) VCF-style: chr15-51856401-C-G.
Other names: c.421G>C, p.Asp141His (NM_001174116.3, NM_001174117.3, NM_001378458.1 and 7 more transcripts); short protein forms D141H.
Identifiers: ClinVar variation 2189020 (VCV002189020.1), dbSNP rs1194409643, ClinGen allele CA392756425.
Genomic context (GRCh38, chr15:51,564,204, plus strand): 5'-TCCAATCATTTAAAACAGGAGGAACTGTATTATCAATTTCTTCCTCCTCTTCCAGAATAT[C>G]ATCTCCTGGAGGAGCCCACAACTGAATAGAATCAGTTGCTGTCAACAATCTATTATCTGA-3'
Protein context (NP_001365386.1, residues 131-151): SIQLWAPPGD[Asp141His]ILEEEEEIDN

ClinVar aggregate classification (germline): Uncertain significance (1 of 4 stars; one submission).

Allele frequency attached by ClinVar (database versions not stated): TOPMed 0.00002; gnomAD exomes 0.00003; gnomAD 0.00007.

Submission:

Labcorp Genetics (formerly Invitae), Labcorp
Classification: Uncertain significance. Last evaluated: 2022-09-19. Review status: criteria provided, single submitter. Criteria: Invitae Variant Classification Sherloc (09022015). Collection method: clinical testing. Allele origin: germline.
Comment: This sequence change replaces aspartic acid, which is acidic and polar, with histidine, which is basic and polar, at codon 141 of the DMXL2 protein (p.Asp141His). This variant is present in population databases (no rsID available, gnomAD 0.004%). This variant has not been reported in the literature in individuals affected with DMXL2-related conditions. Algorithms developed to predict the effect of missense changes on protein structure and function are either unavailable or do not agree on the potential impact of this missense change (SIFT: "Tolerated"; PolyPhen-2: "Probably Damaging"; Align-GVGD: "Class C0"). In summary, the available evidence is currently insufficient to determine the role of this variant in disease. Therefore, it has been classified as a Variant of Uncertain Significance.